The following is an entry in ClinVar:

NM_003737.4(DCHS1):c.7529A>G (p.Asp2510Gly)

Gene: DCHS1 (dachsous cadherin-related 1; minus strand). Cytogenetic location: 11p15.4.
Variant type: single nucleotide variant.
Coding change: c.7529A>G on transcript NM_003737.4 (MANE Select); coding-DNA position 7529, A replaced by G.
Protein change: p.Asp2510Gly; replaces aspartic acid 2510 with glycine.
Molecular consequence: missense variant.
Genome position (GRCh38, 1-based): chr11:6,624,147, T>C on the plus strand (A>G on the coding strand, the complement: DCHS1 is on the minus strand). VCF-style: chr11-6624147-T-C. GRCh37 (hg19) VCF-style: chr11-6645378-T-C.
Other names: short protein forms D2510G.
Identifiers: ClinVar variation 4805528 (VCV004805528.1).

ClinVar aggregate classification (germline): Uncertain significance (1 of 4 stars; one submission).

gnomAD v4.1: 1 of 1,612,172 alleles (0.000062%); highest among the groups gnomAD compares: Non-Finnish European, 0.000085%; no homozygotes.

Submission:

Labcorp Genetics (formerly Invitae), Labcorp
Classification: Uncertain significance. Last evaluated: 2025-11-22. Review status: criteria provided, single submitter. Criteria: Invitae Variant Classification Sherloc (09022015). Collection method: clinical testing. Allele origin: germline.
Comment: This sequence change replaces aspartic acid, which is acidic and polar, with glycine, which is neutral and non-polar, at codon 2510 of the DCHS1 protein (p.Asp2510Gly). The frequency data for this variant in the population databases is considered unreliable, as metrics indicate poor data quality at this position in the gnomAD database. This variant has not been reported in the literature in individuals affected with DCHS1-related conditions. Invitae Evidence Modeling of protein sequence and biophysical properties (such as structural, functional, and spatial information, amino acid conservation, physicochemical variation, residue mobility, and thermodynamic stability) indicates that this missense variant is not expected to disrupt DCHS1 protein function with a negative predictive value of 80%. In summary, the available evidence is currently insufficient to determine the role of this variant in disease. Therefore, it has been classified as a Variant of Uncertain Significance.